The following is an entry in ClinVar:

NM_000432.4(MYL2):c.-46G>A

Genes: MYL2 (myosin light chain 2; minus strand), LOC114827850 (VISTA enhancer hs2149; plus strand). Cytogenetic location: 12q24.11.
Variant type: single nucleotide variant.
Coding change: c.-46G>A on transcript NM_000432.4 (MANE Select); 46 bases upstream of the start codon, G replaced by A.
Molecular consequence: 5 prime UTR variant.
Genome position (GRCh38, 1-based): chr12:110,920,575, C>T on the plus strand (G>A on the coding strand, the complement: MYL2 is on the minus strand). VCF-style: chr12-110920575-C-T. GRCh37 (hg19) VCF-style: chr12-111358379-C-T.
Identifiers: ClinVar variation 138396 (VCV000138396.1), dbSNP rs368048109, ClinGen allele CA010404.

ClinVar aggregate classification (germline): Benign (1 of 4 stars; one submission).

Allele frequency attached by ClinVar (database versions not stated): gnomAD exomes 0.00005 and 0.00008; ESP Exome Variant Server 0.00008; ExAC 0.00009; gnomAD 0.00009 and 0.00010; TOPMed 0.00009.
gnomAD v4.1: 93 of 1,613,936 alleles (0.0058%); highest among the groups gnomAD compares: Admixed American, 0.02%; no homozygotes.

Submission:

GeneDx
Classification: Benign. Last evaluated: 2013-01-14. Review status: criteria provided, single submitter. Criteria: GeneDx Variant Classification (06012015). Collection method: clinical testing. Allele origin: germline. Affected: yes.
Comment: This variant is considered likely benign or benign based on one or more of the following criteria: it is a conservative change, it occurs at a poorly conserved position in the protein, it is predicted to be benign by multiple in silico algorithms, and/or has population frequency not consistent with disease.